The following is an entry in ClinVar:

ClinVar aggregate classification (germline): Likely pathogenic (1 of 4 stars; one submission).

Submission:

Labcorp Genetics (formerly Invitae), Labcorp
Classification: Likely pathogenic. Last evaluated: 2023-11-10. Review status: criteria provided, single submitter. Criteria: Invitae Variant Classification Sherloc (09022015). Collection method: clinical testing. Allele origin: germline.
Comment: This sequence change affects an acceptor splice site in intron 86 of the COL7A1 gene. It is expected to disrupt RNA splicing. Variants that disrupt the donor or acceptor splice site typically lead to a loss of protein function (PMID: 16199547), and loss-of-function variants in COL7A1 are known to be pathogenic (PMID: 16971478). This variant is not present in population databases (gnomAD no frequency). This variant has not been reported in the literature in individuals affected with autosomal recessive COL7A1-related conditions. This variant has been reported in individual(s) with autosomal dominant dystrophic epidermolysis bullosa (PMID: 30288768); however, the role of the variant in this condition is currently unclear. ClinVar contains an entry for this variant (Variation ID: 1499861). Algorithms developed to predict the effect of sequence changes on RNA splicing suggest that this variant may disrupt the consensus splice site. In summary, the currently available evidence indicates that the variant is pathogenic, but additional data are needed to prove that conclusively. Therefore, this variant has been classified as Likely Pathogenic.

Literature cited by the submitters: PubMed 16199547; PubMed 16971478; PubMed 30288768.

NM_000094.4(COL7A1):c.6832-1G>T

Gene: COL7A1 (collagen type VII alpha 1 chain; minus strand). Cytogenetic location: 3p21.31.
Variant type: single nucleotide variant.
Coding change: c.6832-1G>T on transcript NM_000094.4 (MANE Select); the canonical splice acceptor site of the intron before coding-DNA position 6832, G replaced by T.
Molecular consequence: splice acceptor variant.
Genome position (GRCh38, 1-based): chr3:48,572,740, C>A on the plus strand (G>T on the coding strand, the complement: COL7A1 is on the minus strand). VCF-style: chr3-48572740-C-A. GRCh37 (hg19) VCF-style: chr3-48610173-C-A.
Identifiers: ClinVar variation 1499861 (VCV001499861.6), dbSNP rs2107658703, ClinGen allele CA352653297.
Genomic context (GRCh38, chr3:48,572,740, plus strand): 5'-GGCCCCCGTGGGGCCAGGTTCTCCTTTAGGTCCGACAGGGCCAGGCAGACCTGGTGACCC[C>A]TATGGCAGAGCAGCGTGAGGAACTCAGTGCCTCTCCACCACCACCCCTGCTGCCCCACTC-3'